The following is an entry in ClinVar:

NM_001367561.1(DOCK7):c.2416A>G (p.Ile806Val)

Gene: DOCK7 (dedicator of cytokinesis 7; minus strand). Cytogenetic location: 1p31.3.
Variant type: single nucleotide variant.
Coding change: c.2416A>G on transcript NM_001367561.1 (MANE Select); coding-DNA position 2416, A replaced by G.
Protein change: p.Ile806Val; replaces isoleucine 806 with valine.
Molecular consequence: missense variant.
Genome position (GRCh38, 1-based): chr1:62,559,004, T>C on the plus strand (A>G on the coding strand, the complement: DOCK7 is on the minus strand). VCF-style: chr1-62559004-T-C. GRCh37 (hg19) VCF-style: chr1-63024675-T-C.
Other names: c.2416A>G, p.Ile806Val (NM_001271999.2, NM_001272000.2, NM_001272001.2 and 2 more transcripts); short protein forms I806V.
Identifiers: ClinVar variation 541920 (VCV000541920.9), dbSNP rs1553169615, ClinGen allele CA340625829.

ClinVar aggregate classification (germline): Uncertain significance. Review status: criteria provided, multiple submitters, no conflicts (2 of 4 stars). 2 submissions from 2 submitters: Uncertain significance (2). Last evaluated 2024-08-15.

Conditions:
Developmental and epileptic encephalopathy, 23 (DEE23). Also called: Epileptic encephalopathy, early infantile, 23. Identifiers: Orphanet 411986, MedGen C4014492, MONDO:0014371, OMIM 615859.

Submissions (2):

Labcorp Genetics (formerly Invitae), Labcorp
Classification: Uncertain significance for Developmental and epileptic encephalopathy, 23. Last evaluated: 2024-08-15. Review status: criteria provided, single submitter. Criteria: Invitae Variant Classification Sherloc (09022015). Collection method: clinical testing. Allele origin: germline.
Comment: This sequence change replaces isoleucine, which is neutral and non-polar, with valine, which is neutral and non-polar, at codon 806 of the DOCK7 protein (p.Ile806Val). This variant is not present in population databases (gnomAD no frequency). This variant has not been reported in the literature in individuals affected with DOCK7-related conditions. ClinVar contains an entry for this variant (Variation ID: 541920). Invitae Evidence Modeling of protein sequence and biophysical properties (such as structural, functional, and spatial information, amino acid conservation, physicochemical variation, residue mobility, and thermodynamic stability) indicates that this missense variant is not expected to disrupt DOCK7 protein function with a negative predictive value of 80%. In summary, the available evidence is currently insufficient to determine the role of this variant in disease. Therefore, it has been classified as a Variant of Uncertain Significance.

Breakthrough Genomics
Classification: Uncertain significance. Review status: criteria provided, single submitter. Criteria: ACMG Guidelines, 2015. Collection method: not provided. Allele origin: germline. Inheritance: Autosomal recessive inheritance. Affected: yes.